The following is an entry in ClinVar:

NM_007254.4(PNKP):c.1029+3G>A

Gene: PNKP (polynucleotide kinase 3'-phosphatase; minus strand). Cytogenetic location: 19q13.33.
Variant type: single nucleotide variant.
Coding change: c.1029+3G>A on transcript NM_007254.4 (MANE Select); 3 bases into the intron after coding-DNA position 1029, G replaced by A.
Molecular consequence: intron variant.
Genome position (GRCh38, 1-based): chr19:49,862,368, C>T on the plus strand (G>A on the coding strand, the complement: PNKP is on the minus strand). VCF-style: chr19-49862368-C-T. GRCh37 (hg19) VCF-style: chr19-50365625-C-T.
Identifiers: ClinVar variation 969723 (VCV000969723.3), dbSNP rs1304920403, ClinGen allele CA633895319.

ClinVar aggregate classification (germline): Uncertain significance (1 of 4 stars; one submission).

Conditions:
Developmental and epileptic encephalopathy, 12 (DEE12). Identifiers: MedGen C3150988, MONDO:0013389, OMIM 613722.

gnomAD v4.1: 1 of 1,501,546 alleles (0.000067%); highest among the groups gnomAD compares: South Asian, 0.0012%; no homozygotes.

Submission:

Labcorp Genetics (formerly Invitae), Labcorp
Classification: Uncertain significance for Developmental and epileptic encephalopathy, 12. Last evaluated: 2021-01-14. Review status: criteria provided, single submitter. Criteria: Invitae Variant Classification Sherloc (09022015). Collection method: clinical testing. Allele origin: germline.
Comment: This sequence change falls in intron 11 of the PNKP gene. It does not directly change the encoded amino acid sequence of the PNKP protein, but it affects a nucleotide within the consensus splice site of the intron. The frequency data for this variant in the population databases is considered unreliable, as metrics indicate insufficient coverage at this position in the ExAC database. This variant has not been reported in the literature in individuals with PNKP-related conditions. Nucleotide substitutions within the consensus splice site are a relatively common cause of aberrant splicing (PMID: 17576681, 9536098). Algorithms developed to predict the effect of sequence changes on RNA splicing suggest that this variant is not likely to affect RNA splicing, but this prediction has not been confirmed by published transcriptional studies. In summary, the available evidence is currently insufficient to determine the role of this variant in disease. Therefore, it has been classified as a Variant of Uncertain Significance.

Literature cited by the submitters: PubMed 17576681; PubMed 9536098.